The following is an entry in ClinVar:

NM_000540.3(RYR1):c.4832T>C (p.Phe1611Ser)

Gene: RYR1 (ryanodine receptor 1; plus strand). Cytogenetic location: 19q13.2.
Variant type: single nucleotide variant.
Coding change: c.4832T>C on transcript NM_000540.3 (MANE Select); coding-DNA position 4832, T replaced by C.
Protein change: p.Phe1611Ser; replaces phenylalanine 1611 with serine.
Molecular consequence: missense variant.
Genome position (GRCh38, 1-based): chr19:38,483,414, T>C. VCF-style: chr19-38483414-T-C. GRCh37 (hg19) VCF-style: chr19-38974054-T-C.
Other names: c.4832T>C, p.Phe1611Ser (NM_001042723.2); short protein forms F1611S.
Identifiers: ClinVar variation 4998320 (VCV004998320.1).

ClinVar aggregate classification (germline): Uncertain significance (1 of 4 stars; one submission).

Conditions:
RYR1-related disorder. Also called: RYR1-related disorders; RYR1-related condition. Identifiers: MedGen CN239331.

Submission:

PreventionGenetics, part of Exact Sciences
Classification: Uncertain significance for RYR1-related condition. Last evaluated: 2025-03-05. Review status: criteria provided, single submitter. Criteria: ACMG Guidelines, 2015. Collection method: clinical testing. Allele origin: germline.
Comment: The RYR1 c.4832T>C variant is predicted to result in the amino acid substitution p.Phe1611Ser. To our knowledge, this variant has not been reported in the literature or in a large population database (gnomAD), indicating this variant is rare. At this time, the clinical significance of this variant is uncertain due to the absence of conclusive functional and genetic evidence.